The following is an entry in ClinVar:

ClinVar aggregate classification (germline): Uncertain significance. Review status: criteria provided, single submitter (1 of 4 stars). 2 submissions from 1 submitter: Uncertain significance (2). Last evaluated 2022-10-21.

Conditions:
Renal cell carcinoma. Identifiers: Orphanet 217071, MedGen C0007134, MeSH D002292, MONDO:0005086, HP:0005584.
Papillary renal cell carcinoma type 1 (RCCP1). Also called: Renal adenocarcinoma; Renal cell carcinoma 1; Renal cell carcinoma, somatic; RENAL CELL CARCINOMA, PAPILLARY, 1, SOMATIC. Identifiers: Orphanet 47044, MedGen C1336839, OMIM 605074, HP:0011797.

Submissions (2):

Labcorp Genetics (formerly Invitae), Labcorp
Classification: Uncertain significance for Renal cell carcinoma. Last evaluated: 2022-10-21. Review status: criteria provided, single submitter. Criteria: Invitae Variant Classification Sherloc (09022015). Collection method: clinical testing. Allele origin: germline.
Comment: This variant results in a copy number gain of the genomic region encompassing exon(s) 2 of the MET gene. This region includes the initiator codon of the gene. This copy number gain extends beyond the assayed region for this gene and therefore may encompass additional genes. As the precise location of this event is unknown, it may be in tandem or it may be located elsewhere in the genome. This variant has not been reported in the literature in individuals affected with MET-related conditions. Experimental studies and prediction algorithms are not available or were not evaluated, and the functional significance of this variant is currently unknown. In summary, the available evidence is currently insufficient to determine the role of this variant in disease. Therefore, it has been classified as a Variant of Uncertain Significance.

Labcorp Genetics (formerly Invitae), Labcorp
Classification: Uncertain significance for Renal cell carcinoma, papillary, 1. Last evaluated: 2020-01-06. Review status: criteria provided, single submitter. Criteria: Invitae Variant Classification Sherloc (09022015). Collection method: clinical testing. Allele origin: germline.
Comment: This variant results in a copy number gain of the genomic region encompassing exon 2 of the MET gene. The 5' end of this event is unknown as it extends beyond the assayed region for this gene and therefore may encompass additional genes. The 3' boundary is likely confined to intron 2 of the MET gene. As the precise location of this event is unknown, it may be in tandem or it may be located elsewhere in the genome. This variant has not been reported in the literature in individuals with MET-related disease. In summary, the available evidence is currently insufficient to determine the role of this variant in disease. Therefore, it has been classified as a Variant of Uncertain Significance.

NC_000007.14:g.(?_116699085)_(116700294_?)dup

Gene: MET (MET proto-oncogene, receptor tyrosine kinase; plus strand). Cytogenetic location: 7q31.2.
Variant type: Duplication.
Identifiers: ClinVar variation 831589 (VCV000831589.6).